The following is an entry in ClinVar:

ClinVar aggregate classification (germline): Pathogenic (1 of 4 stars; one submission).

Conditions:
Duane-radial ray syndrome (DRRS). Also called: Duane-Radial Ray Syndrome (DRRS) / Okihiro Syndrome; ACRORENOOCULAR SYNDROME; DR SYNDROME; DUANE ANOMALY WITH RADIAL RAY ABNORMALITIES AND DEAFNESS; Okihiro Syndrome; Duane-Radial Ray Syndrome/Okihiro Syndrome. Identifiers: Orphanet 93293, Orphanet 959, MedGen C1623209, MONDO:0011812, OMIM 607323. Disease mechanism: gain of function.

Submission:

Victorian Clinical Genetics Services, Murdoch Childrens Research Institute
Classification: Pathogenic for Duane-radial ray syndrome. Last evaluated: 2019-08-28. Review status: criteria provided, single submitter. Criteria: ACMG Guidelines, 2015. Collection method: clinical testing. Allele origin: germline. Inheritance: Autosomal dominant inheritance. Affected: yes.
Comment: A heterozygous frameshift deletion variant, NM_020436.3(SALL4):c.2252delA, has been identified in exon 2 of 4 of the SALL4 gene. This deletion is predicted to create a frameshift starting at amino acid position 751, introducing a stop codon 9 residues downstream (NP_065169.1(SALL4):p.(Asn751Thrfs*9)). This variant is predicted to result in loss of protein function through nonsense-mediated decay (NMD), which is a reported mechanism of pathogenicity for this gene. The variant is absent in population databases (gnomAD, dbSNP, 1000G). This variant has not been previously reported in clinical cases. However, multiple truncating variants predicted to result in NMD have been reported pathogenic (ClinVar, Decipher). Based on the information available at the time of curation, this variant has been classified as PATHOGENIC.

NM_020436.5(SALL4):c.2252del (p.Asn751fs)

Gene: SALL4 (spalt like transcription factor 4; minus strand). Cytogenetic location: 20q13.2.
Variant type: Deletion.
Coding change: c.2252del on transcript NM_020436.5 (MANE Select); coding-DNA position 2252, one base deleted (A; older notation c.2252delA).
Protein change: p.Asn751fs; shifts the reading frame from asparagine 751.
Molecular consequence: frameshift variant. On other transcripts: intron variant (1).
Genome position (GRCh38, 1-based): chr20:51,790,231, T deleted on the plus strand (A on the coding strand, the reverse complement: SALL4 is on the minus strand); the first of 4 consecutive T bases (chr20:51,790,231-51,790,234); deleting any one gives the same sequence. VCF-style (leftmost placement, unchanged base first): chr20-51790230-GT-G. GRCh37 (hg19) VCF-style: chr20-50406769-GT-G.
Other names: c.2252delA (NM_020436.3); c.1151-1090del (NM_001318031.2); short protein forms N751fs.
Identifiers: ClinVar variation 1806356 (VCV001806356.1), dbSNP rs2515714969, ClinGen allele CA913203537.